The following is an entry in ClinVar:

ClinVar aggregate classification (germline): Pathogenic/Likely pathogenic. Review status: criteria provided, multiple submitters, no conflicts (2 of 4 stars). 2 submissions from 2 submitters: Pathogenic (1); Likely pathogenic (1). Last evaluated 2025-08-14.

Conditions:
Inborn genetic diseases. Identifiers: MedGen C0950123, MeSH D030342.
Combined oxidative phosphorylation deficiency 28 (COXPD28). Identifiers: Orphanet 466784, MedGen C5569081, MONDO:0014775, OMIM 616794.

Allele frequency attached by ClinVar (database versions not stated): ExAC 0.00001; gnomAD 0.00001; TOPMed 0.00002.
gnomAD v4.1: 8 of 1,611,940 alleles (0.0005%); highest among the groups gnomAD compares: Admixed American, 0.0033%; no homozygotes.

Submissions (2):

First Genomix Gene Laboratory, Genetic Diagnostics Department
Classification: Likely pathogenic for Combined oxidative phosphorylation deficiency 28. Last evaluated: 2025-08-14. Review status: criteria provided, single submitter. Criteria: ACMG Guidelines, 2015. Collection method: clinical testing. Allele origin: germline. Inheritance: Autosomal recessive inheritance. Affected: no. Observed: 1 variant allele.

Ambry Genetics
Classification: Pathogenic for Inborn genetic diseases. Last evaluated: 2022-05-02. Review status: criteria provided, single submitter. Criteria: Ambry Variant Classification Scheme 2023. Collection method: clinical testing. Allele origin: germline.
Comment: The c.424C>T (p.R142*) alteration, located in exon 6 (coding exon 5) of the SLC25A26 gene, consists of a C to T substitution at nucleotide position 424. This changes the amino acid from a arginine (R) to a stop codon at amino acid position 142. This alteration is expected to result in loss of function by premature protein truncation or nonsense-mediated mRNA decay. Based on data from gnomAD, the T allele has an overall frequency of <0.01% (3/249290) total alleles studied. The highest observed frequency was <0.01% (1/30114) of South Asian alleles. Based on the available evidence, this alteration is classified as pathogenic.

NM_001379210.1(SLC25A26):c.424C>T (p.Arg142Ter)

Gene: SLC25A26 (solute carrier family 25 member 26; plus strand). Cytogenetic location: 3p14.1.
Variant type: single nucleotide variant.
Coding change: c.424C>T on transcript NM_001379210.1 (MANE Select); coding-DNA position 424, C replaced by T.
Protein change: p.Arg142Ter; replaces arginine 142 with a stop codon.
Molecular consequence: nonsense. On other transcripts: non-coding transcript variant (15).
Genome position (GRCh38, 1-based): chr3:66,263,350, C>T. VCF-style: chr3-66263350-C-T. GRCh37 (hg19) VCF-style: chr3-66313774-C-T.
Other names: c.424C>T, p.Arg142Ter (NM_001009937.1, NM_001400705.1, NM_001400707.1 and 1 more transcripts); c.160C>T, p.Arg54Ter (NM_001164796.1, NM_001350993.1, NM_001400709.1 and 2 more transcripts); short protein forms R54*, R142*.
Identifiers: ClinVar variation 2284160 (VCV002284160.3), dbSNP rs755461919, ClinGen allele CA2483704.